The following is an entry in ClinVar:

ClinVar aggregate classification (germline): Uncertain significance (1 of 4 stars; one submission).

Allele frequency attached by ClinVar (database versions not stated): ExAC 0.00001; TOPMed 0.00001; ESP Exome Variant Server 0.00008.
gnomAD v4.1: 3 of 1,609,122 alleles (0.00019%); highest among the groups gnomAD compares: African/African-American, 0.004%; no homozygotes.

Submission:

Labcorp Genetics (formerly Invitae), Labcorp
Classification: Uncertain significance. Last evaluated: 2024-08-05. Review status: criteria provided, single submitter. Criteria: Invitae Variant Classification Sherloc (09022015). Collection method: clinical testing. Allele origin: germline.
Comment: This sequence change replaces aspartic acid, which is acidic and polar, with valine, which is neutral and non-polar, at codon 1027 of the MPDZ protein (p.Asp1027Val). This variant is present in population databases (rs372981122, gnomAD 0.01%). This variant has not been reported in the literature in individuals affected with MPDZ-related conditions. ClinVar contains an entry for this variant (Variation ID: 2071984). An algorithm developed to predict the effect of missense changes on protein structure and function (PolyPhen-2) suggests that this variant is likely to be tolerated. In summary, the available evidence is currently insufficient to determine the role of this variant in disease. Therefore, it has been classified as a Variant of Uncertain Significance.

NM_001378778.1(MPDZ):c.3080A>T (p.Asp1027Val)

Gene: MPDZ (multiple PDZ domain crumbs cell polarity complex component; minus strand). Cytogenetic location: 9p23.
Variant type: single nucleotide variant.
Coding change: c.3080A>T on transcript NM_001378778.1 (MANE Select); coding-DNA position 3080, A replaced by T.
Protein change: p.Asp1027Val; replaces aspartic acid 1027 with valine.
Molecular consequence: missense variant.
Genome position (GRCh38, 1-based): chr9:13,168,540, T>A on the plus strand (A>T on the coding strand, the complement: MPDZ is on the minus strand). VCF-style: chr9-13168540-T-A. GRCh37 (hg19) VCF-style: chr9-13168539-T-A.
Other names: c.3080A>T, p.Asp1027Val (NM_001261406.2, NM_001261407.2, NM_001330637.2 and 14 more transcripts); short protein forms D1027V.
Identifiers: ClinVar variation 2071984 (VCV002071984.3), dbSNP rs372981122, ClinGen allele CA4987264.